The following is an entry in ClinVar:

NM_000075.4(CDK4):c.831T>C (p.Thr277=)

Genes: TSPAN31 (tetraspanin 31; plus strand), CDK4 (cyclin dependent kinase 4; minus strand). Cytogenetic location: 12q14.1.
Variant type: single nucleotide variant.
Coding change: c.831T>C on transcript NM_000075.4 (MANE Select); coding-DNA position 831, T replaced by C.
Protein change: p.Thr277=; no amino-acid change (threonine 277 retained).
Molecular consequence: synonymous variant. On other transcripts: 3 prime UTR variant (3).
Genome position (GRCh38, 1-based): chr12:57,748,606, A>G on the plus strand (T>C on the coding strand, the complement: CDK4 is on the minus strand). VCF-style: chr12-57748606-A-G. GRCh37 (hg19) VCF-style: chr12-58142389-A-G.
Other names: c.*1316A>G (NM_001330168.2, NM_001330169.2, NM_005981.5).
Identifiers: ClinVar variation 1762924 (VCV001762924.3), dbSNP rs2540893159, ClinGen allele CA480299599.

ClinVar aggregate classification (germline): Benign/Likely benign. Review status: criteria provided, multiple submitters, no conflicts (2 of 4 stars). 2 submissions from 2 submitters: Benign (1); Likely benign (1). Last evaluated 2024-09-27.

Conditions:
Hereditary cancer-predisposing syndrome. Also called: Neoplastic Syndromes, Hereditary; Tumor predisposition; Hereditary Cancer Syndrome; Hereditary neoplastic syndrome. Identifiers: Orphanet 140162, MedGen C0027672, MeSH D009386, MONDO:0015356.
Melanoma, cutaneous malignant, susceptibility to, 3. Also called: Cutaneous malignant melanoma 3. Identifiers: Orphanet 618, MedGen C1836892, MONDO:0012183, OMIM 609048.

Submissions (2):

Myriad Genetics, Inc.
Classification: Benign for Melanoma, cutaneous malignant, susceptibility to, 3. Last evaluated: 2024-09-27. Review status: criteria provided, single submitter. Criteria: Myriad Autosomal Dominant, Autosomal Recessive and X-Linked Classification Criteria (2023). Collection method: clinical testing. Allele origin: unknown.
Comment: This variant is considered benign. This variant is a silent/synonymous amino acid change and it is not expected to impact splicing.

Ambry Genetics
Classification: Likely benign for Hereditary cancer-predisposing syndrome. Last evaluated: 2021-07-07. Review status: criteria provided, single submitter. Criteria: Ambry Variant Classification Scheme 2023. Collection method: clinical testing. Allele origin: germline.